The following is an entry in ClinVar:

ClinVar aggregate classification (germline): Pathogenic (1 of 4 stars; one submission).

Conditions:
Frontotemporal dementia and/or amyotrophic lateral sclerosis 4. Also called: FTDALS4. Identifiers: Orphanet 275872, MedGen C4225325, MONDO:0014641, OMIM 616439.

Submission:

Labcorp Genetics (formerly Invitae), Labcorp
Classification: Pathogenic for Frontotemporal dementia and/or amyotrophic lateral sclerosis 4. Last evaluated: 2025-10-09. Review status: criteria provided, single submitter. Criteria: Invitae Variant Classification Sherloc (09022015). Collection method: clinical testing. Allele origin: germline.
Comment: This sequence change creates a premature translational stop signal (p.Gln250*) in the TBK1 gene. It is expected to result in an absent or disrupted protein product. Loss-of-function variants in TBK1 are known to be pathogenic (PMID: 25803835, 26476236, 26581300). This variant is not present in population databases (gnomAD no frequency). This variant has not been reported in the literature in individuals affected with TBK1-related conditions. ClinVar contains an entry for this variant (Variation ID: 2765502). For these reasons, this variant has been classified as Pathogenic.

Literature cited by the submitters: PubMed 25803835; PubMed 26476236; PubMed 26581300.

NM_013254.4(TBK1):c.748C>T (p.Gln250Ter)

Gene: TBK1 (TANK binding kinase 1; plus strand). Cytogenetic location: 12q14.2.
Variant type: single nucleotide variant.
Coding change: c.748C>T on transcript NM_013254.4 (MANE Select); coding-DNA position 748, C replaced by T.
Protein change: p.Gln250Ter; replaces glutamine 250 with a stop codon.
Molecular consequence: nonsense.
Genome position (GRCh38, 1-based): chr12:64,480,058, C>T. VCF-style: chr12-64480058-C-T. GRCh37 (hg19) VCF-style: chr12-64873838-C-T.
Other names: short protein forms Q250*.
Identifiers: ClinVar variation 2765502 (VCV002765502.3), dbSNP rs2539511036, ClinGen allele CA385598395.